The following is an entry in ClinVar:

NM_015346.4(ZFYVE26):c.964G>C (p.Val322Leu)

Gene: ZFYVE26 (zinc finger FYVE-type containing 26; minus strand). Cytogenetic location: 14q24.1.
Variant type: single nucleotide variant.
Coding change: c.964G>C on transcript NM_015346.4 (MANE Select); coding-DNA position 964, G replaced by C.
Protein change: p.Val322Leu; replaces valine 322 with leucine.
Molecular consequence: missense variant.
Genome position (GRCh38, 1-based): chr14:67,806,598, C>G on the plus strand (G>C on the coding strand, the complement: ZFYVE26 is on the minus strand). VCF-style: chr14-67806598-C-G. GRCh37 (hg19) VCF-style: chr14-68273315-C-G.
Other names: short protein forms V322L.
Identifiers: ClinVar variation 2143114 (VCV002143114.3), dbSNP rs1043502393, ClinGen allele CA262811719.

ClinVar aggregate classification (germline): Uncertain significance (1 of 4 stars; one submission).

Conditions:
Spastic paraplegia. Identifiers: MedGen C0037772, HP:0001258.

Allele frequency attached by ClinVar (database versions not stated): gnomAD exomes below 0.00001; gnomAD 0.00001.
gnomAD v4.1: 9 of 1,614,124 alleles (0.00056%); highest among the groups gnomAD compares: African/African-American, 0.0093%; no homozygotes.

Submission:

Labcorp Genetics (formerly Invitae), Labcorp
Classification: Uncertain significance for Spastic paraplegia. Last evaluated: 2024-09-23. Review status: criteria provided, single submitter. Criteria: Invitae Variant Classification Sherloc (09022015). Collection method: clinical testing. Allele origin: germline.
Comment: This sequence change replaces valine, which is neutral and non-polar, with leucine, which is neutral and non-polar, at codon 322 of the ZFYVE26 protein (p.Val322Leu). This variant is not present in population databases (gnomAD no frequency). This variant has not been reported in the literature in individuals affected with ZFYVE26-related conditions. ClinVar contains an entry for this variant (Variation ID: 2143114). An algorithm developed to predict the effect of missense changes on protein structure and function outputs the following: PolyPhen-2: "Benign". The leucine amino acid residue is found in multiple mammalian species, which suggests that this missense change does not adversely affect protein function. In summary, the available evidence is currently insufficient to determine the role of this variant in disease. Therefore, it has been classified as a Variant of Uncertain Significance.